The following is an entry in ClinVar:

ClinVar aggregate classification (germline): Uncertain significance (1 of 4 stars; one submission).

Allele frequency attached by ClinVar (database versions not stated): gnomAD exomes 0.00001.
gnomAD v4.1: 8 of 1,609,708 alleles (0.0005%); highest among the groups gnomAD compares: Non-Finnish European, 0.00068%; no homozygotes.

Submission:

GeneDx
Classification: Uncertain significance. Last evaluated: 2021-04-13. Review status: criteria provided, single submitter. Criteria: GeneDx Variant Classification Process June 2021. Collection method: clinical testing. Allele origin: germline. Affected: yes.
Comment: Not observed in large population cohorts (Lek et al., 2016); Has not been previously published as pathogenic or benign to our knowledge; In-silico analysis, which includes splice predictors and evolutionary conservation, is inconclusive as to whether the variant alters gene splicing. In the absence of RNA/functional studies, the actual effect of this sequence change is unknown.

NM_002860.4(ALDH18A1):c.-28-3C>T

Gene: ALDH18A1 (aldehyde dehydrogenase 18 family member A1; minus strand). Cytogenetic location: 10q24.1.
Variant type: single nucleotide variant.
Coding change: c.-28-3C>T on transcript NM_002860.4 (MANE Select); 3 bases into the intron before 28 bases upstream of the start codon, C replaced by T.
Molecular consequence: intron variant.
Genome position (GRCh38, 1-based): chr10:95,653,408, G>A on the plus strand (C>T on the coding strand, the complement: ALDH18A1 is on the minus strand). VCF-style: chr10-95653408-G-A. GRCh37 (hg19) VCF-style: chr10-97413165-G-A.
Other names: c.-194-3C>T (NM_001323419.2); c.-146-3C>T (NM_001323412.2, NM_001323418.2, NM_001323416.2); c.-28-3C>T (NM_001323417.2, NM_001017423.2, NM_001323415.2 and 2 more transcripts).
Identifiers: ClinVar variation 1314550 (VCV001314550.2), dbSNP rs2139670352, ClinGen allele CA2573053383.